The following is an entry in ClinVar:

ClinVar aggregate classification (germline): Uncertain significance (1 of 4 stars; one submission).

Conditions:
Charcot-Marie-Tooth disease type 2. Also called: Charcot-Marie-Tooth type 2. Identifiers: Orphanet 64746, MedGen C0270914, MONDO:0018993.

Submission:

Labcorp Genetics (formerly Invitae), Labcorp
Classification: Uncertain significance for Charcot-Marie-Tooth disease type 2. Last evaluated: 2025-11-26. Review status: criteria provided, single submitter. Criteria: Invitae Variant Classification Sherloc (09022015). Collection method: clinical testing. Allele origin: germline.
Comment: This variant, c.790_792del, results in the deletion of 1 amino acid(s) of the GARS protein (p.Lys264del), but otherwise preserves the integrity of the reading frame. This variant is not present in population databases (gnomAD no frequency). This variant has not been reported in the literature in individuals affected with GARS-related conditions. ClinVar contains an entry for this variant (Variation ID: 1041188). Experimental studies and prediction algorithms are not available or were not evaluated, and the functional significance of this variant is currently unknown. In summary, the available evidence is currently insufficient to determine the role of this variant in disease. Therefore, it has been classified as a Variant of Uncertain Significance.

NM_002047.4(GARS1):c.790_792del (p.Lys264del)

Gene: GARS1 (glycyl-tRNA synthetase 1; plus strand). Cytogenetic location: 7p14.3.
Variant type: Deletion.
Coding change: c.790_792del on transcript NM_002047.4 (MANE Select); coding-DNA positions 790 to 792, 3 bases deleted (AAA; older notation c.790_792delAAA).
Protein change: p.Lys264del; deletes lysine 264.
Molecular consequence: inframe deletion.
Genome position (GRCh38, 1-based): chr7:30,609,639-30,609,641, AAA deleted; deleting any 3 consecutive bases within chr7:30,609,638-30,609,641 gives the same sequence; the c. name uses the placement nearest the transcript's 3' end. VCF-style (leftmost placement, unchanged base first): chr7-30609637-TAAA-T. GRCh37 (hg19) VCF-style: chr7-30649253-TAAA-T.
Other names: c.628_630del, p.Lys210del (NM_001316772.1); short protein forms K210del, K264del.
Identifiers: ClinVar variation 1041188 (VCV001041188.8), dbSNP rs1791556326, ClinGen allele CA1697807587.